The following is an entry in ClinVar:

NM_001267550.2(TTN):c.42946+3G>A

Gene: TTN (titin; minus strand). Cytogenetic location: 2q31.2.
Variant type: single nucleotide variant.
Coding change: c.42946+3G>A on transcript NM_001267550.2 (MANE Select); 3 bases into the intron after coding-DNA position 42946, G replaced by A.
Molecular consequence: intron variant.
Genome position (GRCh38, 1-based): chr2:178,633,410, C>T on the plus strand (G>A on the coding strand, the complement: TTN is on the minus strand). VCF-style: chr2-178633410-C-T. GRCh37 (hg19) VCF-style: chr2-179498137-C-T.
Other names: c.15751+3G>A (NM_003319.4); c.16327+3G>A (NM_133437.4); c.16126+3G>A (NM_133432.3); c.35242+3G>A (NM_133378.4); c.38023+3G>A (NM_001256850.1).
Identifiers: ClinVar variation 567489 (VCV000567489.15), dbSNP rs763647141, ClinGen allele CA1995987.

ClinVar aggregate classification (germline): Uncertain significance. Review status: criteria provided, multiple submitters, no conflicts (2 of 4 stars). 3 submissions from 3 submitters: Uncertain significance (3). Last evaluated 2024-06-21.

Conditions:
Dilated cardiomyopathy 1G (CMD1G). Identifiers: Orphanet 154, MedGen C1858763, MONDO:0011400, OMIM 604145.
Autosomal recessive limb-girdle muscular dystrophy type 2J (LGMDR10). Also called: MUSCULAR DYSTROPHY, LIMB-GIRDLE, AUTOSOMAL RECESSIVE 10; Limb-girdle muscular dystrophy, type 2J. Identifiers: Orphanet 140922, MedGen C1837342, MONDO:0012127, OMIM 608807.
Cardiovascular phenotype. Identifiers: MedGen CN230736.

Allele frequency attached by ClinVar (database versions not stated): gnomAD 0.00001; TOPMed 0.00001; gnomAD exomes 0.00002.
gnomAD v4.1: 26 of 1,613,230 alleles (0.0016%); highest among the groups gnomAD compares: Non-Finnish European, 0.0019%; no homozygotes.

Submissions (3):

Labcorp Genetics (formerly Invitae), Labcorp
Classification: Uncertain significance for Dilated cardiomyopathy 1G; Autosomal recessive limb-girdle muscular dystrophy type 2J. Last evaluated: 2024-06-21. Review status: criteria provided, single submitter. Criteria: Invitae Variant Classification Sherloc (09022015). Collection method: clinical testing. Allele origin: germline.
Comment: This sequence change falls in intron 232 of the TTN gene. It does not directly change the encoded amino acid sequence of the TTN protein. It affects a nucleotide within the consensus splice site. This variant is present in population databases (rs763647141, gnomAD 0.0009%). This variant has been observed in individual(s) with clinical features of distal myopathy (Invitae). It has also been observed to segregate with disease in related individuals. ClinVar contains an entry for this variant (Variation ID: 567489). Variants that disrupt the consensus splice site are a relatively common cause of aberrant splicing (PMID: 17576681, 9536098). Algorithms developed to predict the effect of sequence changes on RNA splicing suggest that this variant is not likely to affect RNA splicing. This variant is located in the I band of TTN (PMID: 25589632). Non-truncating variants in this region may be clinically relevant, but have not been definitively shown to cause cardiomyopathy or neuromuscular disease (PMID: 27493940, 32778822). In summary, the available evidence is currently insufficient to determine the role of this variant in disease. Therefore, it has been classified as a Variant of Uncertain Significance.

Revvity Omics, Revvity
Classification: Uncertain significance. Last evaluated: 2023-09-05. Review status: criteria provided, single submitter. Criteria: ACMG Guidelines, 2015. Collection method: clinical testing. Allele origin: germline.

Ambry Genetics
Classification: Uncertain significance for Cardiovascular phenotype. Last evaluated: 2023-08-08. Review status: criteria provided, single submitter. Criteria: Ambry Variant Classification Scheme 2023. Collection method: clinical testing. Allele origin: germline.
Comment: The c.15751+3G>A intronic variant results from a G to A substitution 3 nucleotides after coding exon 59 in the TTN gene. This nucleotide position is not well conserved in available vertebrate species. In silico splice site analysis predicts that this alteration will not have any significant effect on splicing. Since supporting evidence is limited at this time, the clinical significance of this alteration remains unclear.

Literature cited by the submitters: PubMed 17576681 (cited by Labcorp Genetics (formerly Invitae), Labcorp); PubMed 9536098 (cited by Labcorp Genetics (formerly Invitae), Labcorp); PubMed 25589632 (cited by Labcorp Genetics (formerly Invitae), Labcorp); PubMed 27493940 (cited by Labcorp Genetics (formerly Invitae), Labcorp); PubMed 32778822 (cited by Labcorp Genetics (formerly Invitae), Labcorp).